The following is an entry in ClinVar:

ClinVar aggregate classification (germline): Pathogenic. Review status: criteria provided, multiple submitters, no conflicts (2 of 4 stars). 4 submissions from 4 submitters: Pathogenic (2). 2 of the submissions do not count toward it. Last evaluated 2025-09-10.

Conditions:
Tuberous sclerosis syndrome (TSC). Also called: Tuberous Sclerosis Complex; Tuberous sclerosis. Identifiers: Orphanet 805, MedGen C0041341, MONDO:0001734.
Tuberous sclerosis 2 (TSC2). Identifiers: Orphanet 805, MedGen C1860707, MONDO:0013199, OMIM 613254.

Submissions (4):

Genomic Medicine Center of Excellence, King Faisal Specialist Hospital and Research Centre
Classification: Pathogenic for Tuberous sclerosis 2. Last evaluated: 2025-09-10. Review status: criteria provided, single submitter. Criteria: ACMG Guidelines, 2015. Collection method: clinical testing. Allele origin: germline.

GeneDx
Classification: Pathogenic. Last evaluated: 2023-04-19. Review status: criteria provided, single submitter. Criteria: GeneDx Variant Classification Process June 2021. Collection method: clinical testing. Allele origin: germline. Affected: yes.
Comment: Reported previously in a patient with West syndrome, cardiac rhabdomyomas, subependymal calcifications, cortical tubers, and white patches on skin (Yamamoto et al., 2002); Published functional studies demonstrate a damaging effect and showed significantly increased T389/S6K phosphorylation levels indicating that this variant is not tolerated (Hoogeveen-Westerveld et al., 2011); In silico analysis supports that this missense variant has a deleterious effect on protein structure/function; Not observed at significant frequency in large population cohorts (gnomAD); This variant is associated with the following publications: (PMID: 21345208, 29803333, 30255984, 19028034, 26706013, 17120248, 12015165, 21309039)

OMIM
Classification: Pathogenic for TUBEROUS SCLEROSIS 2. Last evaluated: 2006-11-01. Review status: no assertion criteria provided. Collection method: literature only. Allele origin: germline. Not counted in ClinVar's aggregate classification.

Tuberous sclerosis database (TSC2)
No classification provided. Condition: TSC. Review status: no classification provided. Criteria: Tuberous Sclerosis Database Assertion Criteria 2015. Collection method: curation. Allele origin: germline. Affected: yes. Not counted in ClinVar's aggregate classification.

Literature cited by the submitters: PubMed 17120248 (cited by OMIM).

NM_000548.5(TSC2):c.2713C>G (p.Arg905Gly)

Gene: TSC2 (TSC complex subunit 2; plus strand). Cytogenetic location: 16p13.3.
Variant type: single nucleotide variant.
Coding change: c.2713C>G on transcript NM_000548.5 (MANE Select); coding-DNA position 2713, C replaced by G.
Protein change: p.Arg905Gly; replaces arginine 905 with glycine.
Molecular consequence: missense variant.
Genome position (GRCh38, 1-based): chr16:2,076,141, C>G. VCF-style: chr16-2076141-C-G. GRCh37 (hg19) VCF-style: chr16-2126142-C-G.
Other names: c.2713C>G, p.Arg905Gly (NM_001077183.3, NM_001114382.3, NM_001363528.2 and 3 more transcripts); c.2602C>G, p.Arg868Gly (NM_001318827.2); c.2566C>G, p.Arg856Gly (NM_001318829.2); c.2113C>G, p.Arg705Gly (NM_001318831.2); c.2746C>G, p.Arg916Gly (NM_001318832.2); short protein forms R905G, R868G, R916G, R856G, R705G.
Identifiers: ClinVar variation 12405 (VCV000012405.4), dbSNP rs45517258, ClinGen allele CA017936.